The following is an entry in ClinVar:

ClinVar aggregate classification (germline): Uncertain significance (1 of 4 stars; one submission).

Submission:

Labcorp Genetics (formerly Invitae), Labcorp
Classification: Uncertain significance. Last evaluated: 2022-07-06. Review status: criteria provided, single submitter. Criteria: Invitae Variant Classification Sherloc (09022015). Collection method: clinical testing. Allele origin: germline.
Comment: In summary, the available evidence is currently insufficient to determine the role of this variant in disease. Therefore, it has been classified as a Variant of Uncertain Significance. Experimental studies and prediction algorithms are not available or were not evaluated, and the functional significance of this variant is currently unknown. This variant has not been reported in the literature in individuals affected with CACNA1G-related conditions. This variant is not present in population databases (gnomAD no frequency). This sequence change creates a premature translational stop signal (p.Ser2239Ilefs*26) in the CACNA1G gene. While this is not anticipated to result in nonsense mediated decay, it is expected to disrupt the last 139 amino acid(s) of the CACNA1G protein.

NM_018896.5(CACNA1G):c.6713dup (p.Ser2239fs)

Gene: CACNA1G (calcium voltage-gated channel subunit alpha1 G; plus strand). Cytogenetic location: 17q21.33.
Variant type: Duplication.
Coding change: c.6713dup on transcript NM_018896.5 (MANE Select); coding-DNA position 6713, one base duplicated (C; older notation c.6713dupC).
Protein change: p.Ser2239fs; shifts the reading frame from serine 2239.
Molecular consequence: frameshift variant. On other transcripts: non-coding transcript variant (5).
Genome position (GRCh38, 1-based): chr17:50,626,330, C duplicated; the last of 5 consecutive C bases (chr17:50,626,326-50,626,330); duplicating any one gives the same sequence. VCF-style (leftmost placement, unchanged base first): chr17-50626325-G-GC. GRCh37 (hg19) VCF-style: chr17-48703686-G-GC.
Other names: c.6524dup, p.Ser2176fs (NM_001256324.2); c.6455dup, p.Ser2153fs (NM_001256325.2); c.6443dup, p.Ser2149fs (NM_001256326.2); c.6413dup, p.Ser2139fs (NM_001256327.2); c.6359dup, p.Ser2121fs (NM_001256328.2); c.6332dup, p.Ser2112fs (NM_001256329.2, NM_198387.3); c.6299dup, p.Ser2101fs (NM_001256330.2); c.6278dup, p.Ser2094fs (NM_001256331.2); and 18 more; short protein forms S2033fs, S2101fs, S2105fs, S2108fs, S2110fs, S2119fs, S2205fs, S2228fs.
Identifiers: ClinVar variation 2088965 (VCV002088965.4), dbSNP rs2053795149, ClinGen allele CA984473863.